The following is an entry in ClinVar:

ClinVar aggregate classification (germline): Uncertain significance (1 of 4 stars; one submission).

Submission:

Labcorp Genetics (formerly Invitae), Labcorp
Classification: Uncertain significance. Last evaluated: 2025-10-08. Review status: criteria provided, single submitter. Criteria: Invitae Variant Classification Sherloc (09022015). Collection method: clinical testing. Allele origin: germline.
Comment: This sequence change replaces aspartic acid, which is acidic and polar, with glutamic acid, which is acidic and polar, at codon 112 of the PROKR2 protein (p.Asp112Glu). This variant is present in population databases (no rsID available, gnomAD 0.0009%). This variant has not been reported in the literature in individuals affected with PROKR2-related conditions. Invitae Evidence Modeling of protein sequence and biophysical properties (such as structural, functional, and spatial information, amino acid conservation, physicochemical variation, residue mobility, and thermodynamic stability) has been performed for this missense variant. However, the output from this modeling did not meet the statistical confidence thresholds required to predict the impact of this variant on PROKR2 protein function. In summary, the available evidence is currently insufficient to determine the role of this variant in disease. Therefore, it has been classified as a Variant of Uncertain Significance.

NM_144773.4(PROKR2):c.336C>G (p.Asp112Glu)

Gene: PROKR2 (prokineticin receptor 2; minus strand). Cytogenetic location: 20p12.3.
Variant type: single nucleotide variant.
Coding change: c.336C>G on transcript NM_144773.4 (MANE Select); coding-DNA position 336, C replaced by G.
Protein change: p.Asp112Glu; replaces aspartic acid 112 with glutamic acid.
Molecular consequence: missense variant.
Genome position (GRCh38, 1-based): chr20:5,314,034, G>C on the plus strand (C>G on the coding strand, the complement: PROKR2 is on the minus strand). VCF-style: chr20-5314034-G-C. GRCh37 (hg19) VCF-style: chr20-5294680-G-C.
Other names: short protein forms D112E.
Identifiers: ClinVar variation 4741995 (VCV004741995.1).